The following is an entry in ClinVar:

ClinVar aggregate classification (germline): Uncertain significance (1 of 4 stars; one submission).

Conditions:
Aicardi-Goutieres syndrome 7 (AGS7). Identifiers: Orphanet 51, MedGen C3888244, MONDO:0014367, OMIM 615846.
Singleton-Merten syndrome 1 (SGMRT1). Also called: Widened medullary cavities of bone, aortic calcification, abnormal dentition, and muscular weakness; Syndrome of widened medullary cavities of the metacarpals and phalanges, aortic calcification and abnormal dentition. Identifiers: Orphanet 85191, MedGen C4225427, MONDO:0024535, OMIM 182250.

Submission:

Labcorp Genetics (formerly Invitae), Labcorp
Classification: Uncertain significance for Aicardi-Goutieres syndrome 7; Singleton-Merten syndrome 1. Last evaluated: 2022-03-31. Review status: criteria provided, single submitter. Criteria: Invitae Variant Classification Sherloc (09022015). Collection method: clinical testing. Allele origin: germline.
Comment: In summary, the available evidence is currently insufficient to determine the role of this variant in disease. Therefore, it has been classified as a Variant of Uncertain Significance. Algorithms developed to predict the effect of missense changes on protein structure and function (SIFT, PolyPhen-2, Align-GVGD) all suggest that this variant is likely to be tolerated. This variant has not been reported in the literature in individuals affected with IFIH1-related conditions. This variant is not present in population databases (gnomAD no frequency). This sequence change replaces histidine, which is basic and polar, with glutamine, which is neutral and polar, at codon 276 of the IFIH1 protein (p.His276Gln).

NM_022168.4(IFIH1):c.828T>A (p.His276Gln)

Gene: IFIH1 (interferon induced with helicase C domain 1; minus strand). Cytogenetic location: 2q24.2.
Variant type: single nucleotide variant.
Coding change: c.828T>A on transcript NM_022168.4 (MANE Select); coding-DNA position 828, T replaced by A.
Protein change: p.His276Gln; replaces histidine 276 with glutamine.
Molecular consequence: missense variant.
Genome position (GRCh38, 1-based): chr2:162,293,610, A>T on the plus strand (T>A on the coding strand, the complement: IFIH1 is on the minus strand). VCF-style: chr2-162293610-A-T. GRCh37 (hg19) VCF-style: chr2-163150120-A-T.
Other names: short protein forms H276Q.
Identifiers: ClinVar variation 1499269 (VCV001499269.6), dbSNP rs2105214711, ClinGen allele CA349006000.
Genomic context (GRCh38, chr2:162,293,610, plus strand): 5'-CAGTTAGGCAGTACCTGAATCACTTCCCATGGTGCCTGAATCACTGCCCATGTTGCTGTT[A>T]TGTCCAAGACTTTCATCTAAGCAGCTGACACTTCCTTCTGCCAAACTTGTGTCTGATTCT-3'
Protein context (NP_071451.2, residues 266-286): SVSCLDESLG[His276Gln]NSNMGSDSGT